The following is an entry in ClinVar:

NM_152866.3(MS4A1):c.718A>G (p.Ile240Val)

Gene: MS4A1 (membrane spanning 4-domains A1; plus strand). Cytogenetic location: 11q12.2.
Variant type: single nucleotide variant.
Coding change: c.718A>G on transcript NM_152866.3 (MANE Select); coding-DNA position 718, A replaced by G.
Protein change: p.Ile240Val; replaces isoleucine 240 with valine.
Molecular consequence: missense variant.
Genome position (GRCh38, 1-based): chr11:60,468,292, A>G. VCF-style: chr11-60468292-A-G. GRCh37 (hg19) VCF-style: chr11-60235765-A-G.
Other names: c.718A>G, p.Ile240Val (NM_021950.4, NM_152867.2); c.718A>G (NM_152866.2); short protein forms I240V.
Identifiers: ClinVar variation 1520800 (VCV001520800.11), dbSNP rs201410977, ClinGen allele CA222766007.

ClinVar aggregate classification (germline): Uncertain significance. Review status: criteria provided, multiple submitters, no conflicts (2 of 4 stars). 3 submissions from 3 submitters: Uncertain significance (3). Last evaluated 2026-01-14.

Conditions:
Immunodeficiency, common variable, 5. Also called: ANTIBODY DEFICIENCY DUE TO CD20 DEFECT. Identifiers: Orphanet 1572, MedGen C3150740, MONDO:0013285, OMIM 613495.

Allele frequency attached by ClinVar (database versions not stated): gnomAD 0.00001; gnomAD exomes 0.00001.
gnomAD v4.1: 23 of 1,613,762 alleles (0.0014%); highest among the groups gnomAD compares: Non-Finnish European, 0.0018%; no homozygotes.

Submissions (3):

Labcorp Genetics (formerly Invitae), Labcorp
Classification: Uncertain significance. Last evaluated: 2026-01-14. Review status: criteria provided, single submitter. Criteria: Invitae Variant Classification Sherloc (09022015). Collection method: clinical testing. Allele origin: germline.
Comment: This sequence change replaces isoleucine, which is neutral and non-polar, with valine, which is neutral and non-polar, at codon 240 of the MS4A1 protein (p.Ile240Val). This variant is present in population databases (rs201410977, gnomAD 0.003%). This variant has not been reported in the literature in individuals affected with MS4A1-related conditions. ClinVar contains an entry for this variant (Variation ID: 1520800). An algorithm developed to predict the effect of missense changes on protein structure and function outputs the following: PolyPhen-2: "Benign". The valine amino acid residue is found in multiple mammalian species, which suggests that this missense change does not adversely affect protein function. In summary, the available evidence is currently insufficient to determine the role of this variant in disease. Therefore, it has been classified as a Variant of Uncertain Significance.

Ambry Genetics
Classification: Uncertain significance. Last evaluated: 2024-07-06. Review status: criteria provided, single submitter. Criteria: Ambry Variant Classification Scheme 2023. Collection method: clinical testing. Allele origin: germline.

Revvity Omics, Revvity
Classification: Uncertain significance for Immunodeficiency, common variable, 5. Last evaluated: 2019-10-18. Review status: criteria provided, single submitter. Criteria: ACMG Guidelines, 2015. Collection method: clinical testing. Allele origin: germline.